The following is an entry in ClinVar:

ClinVar aggregate classification (germline): Conflicting classifications of pathogenicity. Review status: criteria provided, conflicting classifications (1 of 4 stars). 5 submissions from 4 submitters: Uncertain significance (2); Likely benign (3). Last evaluated 2026-01-17.

Conditions:
Glycogen storage disease, type IV (GSD4). Also called: BRANCHER DEFICIENCY; GLYCOGENOSIS IV; GSD IV; AMYLOPECTINOSIS; ANDERSEN DISEASE; CIRRHOSIS, FAMILIAL, WITH DEPOSITION OF ABNORMAL GLYCOGEN. Identifiers: Orphanet 367, MedGen C0017923, MONDO:0009292, OMIM 232500.
Glycogen storage disease IV, classic hepatic. Also called: GSD IV, CLASSIC HEPATIC. Identifiers: MedGen C1856301.
Adult polyglucosan body disease (APBN). Also called: POLYGLUCOSAN BODY DISEASE, ADULT FORM; GBE1-Adult Polyglucosan Body Disease. Identifiers: Orphanet 206583, MedGen C1849722, MONDO:0009897, OMIM 263570.

Allele frequency attached by ClinVar (database versions not stated): gnomAD exomes 0.00012 and 0.00025; TOPMed 0.00015; gnomAD 0.00018 and 0.00019; 1000 Genomes Project 0.00020; ESP Exome Variant Server 0.00026; 1000 Genomes Project 30x 0.00031; ExAC 0.00036.
gnomAD v4.1: 381 of 1,540,322 alleles (0.025%); highest among the groups gnomAD compares: Non-Finnish European, 0.03%; no homozygotes.

Submissions (5):

Labcorp Genetics (formerly Invitae), Labcorp
Classification: Likely benign for Glycogen storage disease, type IV; Glycogen storage disease IV, classic hepatic. Last evaluated: 2026-01-17. Review status: criteria provided, single submitter. Criteria: Invitae Variant Classification Sherloc (09022015). Collection method: clinical testing. Allele origin: germline.

Blueprint Genetics
Classification: Likely benign. Last evaluated: 2024-07-02. Review status: criteria provided, single submitter. Criteria: ACMG Guidelines, 2015. Collection method: clinical testing. Allele origin: germline.

Illumina Laboratory Services, Illumina
Classification: Uncertain significance for Glycogen storage disease, type IV. Last evaluated: 2018-01-13. Review status: criteria provided, single submitter. Criteria: ICSL Variant Classification Criteria 13 December 2019. Collection method: clinical testing. Allele origin: germline.

Illumina Laboratory Services, Illumina
Classification: Uncertain significance for Adult polyglucosan body disease. Last evaluated: 2018-01-13. Review status: criteria provided, single submitter. Criteria: ICSL Variant Classification Criteria 13 December 2019. Collection method: clinical testing. Allele origin: germline.

GeneDx
Classification: Likely benign. Last evaluated: 2016-11-17. Review status: criteria provided, single submitter. Criteria: GeneDx Variant Classification (06012015). Collection method: clinical testing. Allele origin: germline. Affected: yes.
Comment: This variant is considered likely benign or benign based on one or more of the following criteria: it is a conservative change, it occurs at a poorly conserved position in the protein, it is predicted to be benign by multiple in silico algorithms, and/or has population frequency not consistent with disease.

NM_000158.4(GBE1):c.313+15G>A

Gene: GBE1 (1,4-alpha-glucan branching enzyme 1; minus strand). Cytogenetic location: 3p12.2.
Variant type: single nucleotide variant.
Coding change: c.313+15G>A on transcript NM_000158.4 (MANE Select); 15 bases into the intron after coding-DNA position 313, G replaced by A.
Molecular consequence: intron variant.
Genome position (GRCh38, 1-based): chr3:81,705,429, C>T on the plus strand (G>A on the coding strand, the complement: GBE1 is on the minus strand). VCF-style: chr3-81705429-C-T. GRCh37 (hg19) VCF-style: chr3-81754580-C-T.
Identifiers: ClinVar variation 390895 (VCV000390895.10), dbSNP rs184391304, ClinGen allele CA2500016.